The following is an entry in ClinVar:

ClinVar aggregate classification (germline): Uncertain significance (1 of 4 stars; one submission).

Conditions:
Neuroblastoma, susceptibility to, 3. Also called: ALK-Related Neuroblastic Tumor Susceptibility. Identifiers: Orphanet 635, MedGen C2751681, MONDO:0013083, OMIM 613014.

Submission:

Labcorp Genetics (formerly Invitae), Labcorp
Classification: Uncertain significance for Neuroblastoma, susceptibility to, 3. Last evaluated: 2025-11-24. Review status: criteria provided, single submitter. Criteria: Invitae Variant Classification Sherloc (09022015). Collection method: clinical testing. Allele origin: germline.
Comment: This sequence change replaces leucine, which is neutral and non-polar, with valine, which is neutral and non-polar, at codon 1066 of the ALK protein (p.Leu1066Val). This variant is not present in population databases (gnomAD no frequency). This variant has not been reported in the literature in individuals affected with ALK-related conditions. An algorithm developed to predict the effect of missense changes on protein structure and function (PolyPhen-2) suggests that this variant is likely to be tolerated. In summary, the available evidence is currently insufficient to determine the role of this variant in disease. Therefore, it has been classified as a Variant of Uncertain Significance.

NM_004304.5(ALK):c.3196C>G (p.Leu1066Val)

Gene: ALK (ALK receptor tyrosine kinase; minus strand). Cytogenetic location: 2p23.2.
Variant type: single nucleotide variant.
Coding change: c.3196C>G on transcript NM_004304.5 (MANE Select); coding-DNA position 3196, C replaced by G.
Protein change: p.Leu1066Val; replaces leucine 1066 with valine.
Molecular consequence: missense variant. On other transcripts: 5 prime UTR variant (1).
Genome position (GRCh38, 1-based): chr2:29,223,505, G>C on the plus strand (C>G on the coding strand, the complement: ALK is on the minus strand). VCF-style: chr2-29223505-G-C. GRCh37 (hg19) VCF-style: chr2-29446371-G-C.
Other names: c.-9C>G (NM_001353765.2); short protein forms L1066V.
Identifiers: ClinVar variation 4731855 (VCV004731855.1).